The following is an entry in ClinVar:

ClinVar aggregate classification (germline): Uncertain significance (1 of 4 stars; one submission).

Submission:

CeGaT Center for Human Genetics Tuebingen
Classification: Uncertain significance. Last evaluated: 2024-02-01. Review status: criteria provided, single submitter. Criteria: CeGaT Center For Human Genetics Tuebingen Variant Classification Criteria Version 2. Collection method: clinical testing. Allele origin: germline. Affected: yes. Observed: 1 variant allele.
Comment: CR2: PM2

NM_001006658.3(CR2):c.2300T>C (p.Phe767Ser)

Gene: CR2 (complement C3d receptor 2; plus strand). Cytogenetic location: 1q32.2.
Variant type: single nucleotide variant.
Coding change: c.2300T>C on transcript NM_001006658.3 (MANE Select); coding-DNA position 2300, T replaced by C.
Protein change: p.Phe767Ser; replaces phenylalanine 767 with serine.
Molecular consequence: missense variant.
Genome position (GRCh38, 1-based): chr1:207,474,300, T>C. VCF-style: chr1-207474300-T-C. GRCh37 (hg19) VCF-style: chr1-207647645-T-C.
Other names: c.2123T>C, p.Phe708Ser (NM_001877.5); short protein forms F708S, F767S.
Identifiers: ClinVar variation 3027154 (VCV003027154.22), dbSNP rs2527225588, ClinGen allele CA344536776.